The following is an entry in ClinVar:

ClinVar aggregate classification (germline): Likely benign (1 of 4 stars; one submission).

Allele frequency attached by ClinVar (database versions not stated): gnomAD exomes below 0.00001 and 0.00001; TOPMed below 0.00001; ExAC 0.00001; gnomAD 0.00001.
gnomAD v4.1: 8 of 1,514,126 alleles (0.00053%); highest among the groups gnomAD compares: Non-Finnish European, 0.00073%; no homozygotes.

Submission:

GeneDx
Classification: Likely benign. Last evaluated: 2018-01-24. Review status: criteria provided, single submitter. Criteria: GeneDx Variant Classification (06012015). Collection method: clinical testing. Allele origin: germline. Affected: yes.
Comment: This variant is considered likely benign or benign based on one or more of the following criteria: it is a conservative change, it occurs at a poorly conserved position in the protein, it is predicted to be benign by multiple in silico algorithms, and/or has population frequency not consistent with disease.

NM_015340.4(LARS2):c.-21-13C>T

Gene: LARS2 (leucyl-tRNA synthetase 2, mitochondrial; plus strand). Cytogenetic location: 3p21.31.
Variant type: single nucleotide variant.
Coding change: c.-21-13C>T on transcript NM_015340.4 (MANE Select); 13 bases into the intron before 21 bases upstream of the start codon, C replaced by T.
Molecular consequence: intron variant.
Genome position (GRCh38, 1-based): chr3:45,394,420, C>T. VCF-style: chr3-45394420-C-T. GRCh37 (hg19) VCF-style: chr3-45435912-C-T.
Other names: c.-21-13C>T (NM_001368263.1).
Identifiers: ClinVar variation 514808 (VCV000514808.1), dbSNP rs779418705, ClinGen allele CA2349177.